The following is an entry in ClinVar:

NM_001378454.1(ALMS1):c.9769C>T (p.Arg3257Cys)

Gene: ALMS1 (ALMS1 centrosome and basal body associated protein; plus strand). Cytogenetic location: 2p13.1.
Variant type: single nucleotide variant.
Coding change: c.9769C>T on transcript NM_001378454.1 (MANE Select); coding-DNA position 9769, C replaced by T.
Protein change: p.Arg3257Cys; replaces arginine 3257 with cysteine.
Molecular consequence: missense variant.
Genome position (GRCh38, 1-based): chr2:73,520,004, C>T. VCF-style: chr2-73520004-C-T. GRCh37 (hg19) VCF-style: chr2-73747131-C-T.
Other names: c.9772C>T, p.Arg3258Cys (NM_015120.4); short protein forms R3258C, R3257C.
Identifiers: ClinVar variation 571726 (VCV000571726.13), dbSNP rs373998843, ClinGen allele CA1714759.

ClinVar aggregate classification (germline): Conflicting classifications of pathogenicity. Review status: criteria provided, conflicting classifications (1 of 4 stars). 5 submissions from 5 submitters: Uncertain significance (3); Likely benign (1). 1 of the submissions does not count toward it. Last evaluated 2025-08-18.

Conditions:
Cardiovascular phenotype. Identifiers: MedGen CN230736.
Alstrom syndrome (ALMS). Identifiers: Orphanet 64, MedGen C0268425, MONDO:0008763, OMIM 203800.

Allele frequency attached by ClinVar (database versions not stated): gnomAD 0.00005; ESP Exome Variant Server 0.00008; TOPMed 0.00008.
gnomAD v4.1: 23 of 1,613,924 alleles (0.0014%); highest among the groups gnomAD compares: African/African-American, 0.015%; no homozygotes.

Submissions (5):

Ambry Genetics
Classification: Likely benign for Cardiovascular phenotype. Last evaluated: 2025-08-18. Review status: criteria provided, single submitter. Criteria: Ambry Variant Classification Scheme 2023. Collection method: clinical testing. Allele origin: germline.

GeneDx
Classification: Uncertain significance. Last evaluated: 2024-06-07. Review status: criteria provided, single submitter. Criteria: GeneDx Variant Classification Process June 2021. Collection method: clinical testing. Allele origin: germline. Affected: yes.
Comment: In silico analysis indicates that this missense variant does not alter protein structure/function; Has not been previously published as pathogenic or benign to our knowledge

Labcorp Genetics (formerly Invitae), Labcorp
Classification: Uncertain significance for Alstrom syndrome. Last evaluated: 2022-09-27. Review status: criteria provided, single submitter. Criteria: Invitae Variant Classification Sherloc (09022015). Collection method: clinical testing. Allele origin: germline.
Comment: This sequence change replaces arginine, which is basic and polar, with cysteine, which is neutral and slightly polar, at codon 3258 of the ALMS1 protein (p.Arg3258Cys). This variant is present in population databases (rs373998843, gnomAD 0.02%). This variant has not been reported in the literature in individuals affected with ALMS1-related conditions. ClinVar contains an entry for this variant (Variation ID: 571726). In summary, the available evidence is currently insufficient to determine the role of this variant in disease. Therefore, it has been classified as a Variant of Uncertain Significance.

Fulgent Genetics
Classification: Uncertain significance for Alstrom syndrome. Last evaluated: 2022-03-29. Review status: criteria provided, single submitter. Criteria: ACMG Guidelines, 2015. Collection method: clinical testing. Allele origin: unknown.

Natera, Inc.
Classification: Uncertain significance for Alstrom syndrome. Last evaluated: 2021-04-02. Review status: no assertion criteria provided. Collection method: clinical testing. Allele origin: germline. Not counted in ClinVar's aggregate classification.